The following is an entry in ClinVar:

ClinVar aggregate classification (germline): Uncertain significance. Review status: criteria provided, multiple submitters, no conflicts (2 of 4 stars). 6 submissions from 6 submitters: Uncertain significance (5). 1 of the submissions does not count toward it. Last evaluated 2025-12-29.

Conditions:
Gastrointestinal stromal tumor. Also called: Gastrointestinal stromal tumor, somatic; Gastrointestinal stroma tumor. Identifiers: Orphanet 44890, MedGen C0238198, MeSH D046152, MONDO:0011719, OMIM 606764, HP:0100723.
Pheochromocytoma. Also called: MAX-Related Hereditary Paraganglioma-Pheochromocytoma Syndrome. Identifiers: Orphanet 29072, MedGen C0031511, MONDO:0008233, OMIM 171300, HP:0002666.
Pheochromocytoma/paraganglioma syndrome 4. Also called: Paragangliomas 4; PARAGANGLIOMA, FAMILIAL MALIGNANT; PARAGANGLIOMAS, HEREDITARY EXTRAADRENAL; PHEOCHROMOCYTOMA, FAMILIAL EXTRAADRENAL; SDHB-Related Hereditary Paraganglioma-Pheochromocytoma Syndrome; CAROTID BODY TUMORS AND MULTIPLE EXTRAADRENAL PHEOCHROMOCYTOMAS. Identifiers: Orphanet 29072, MedGen C1861848, MONDO:0007273, OMIM 115310.
Hereditary cancer-predisposing syndrome. Also called: Tumor predisposition; Neoplastic Syndromes, Hereditary; Hereditary Cancer Syndrome; Hereditary neoplastic syndrome. Identifiers: Orphanet 140162, MedGen C0027672, MeSH D009386, MONDO:0015356.

Allele frequency attached by ClinVar (database versions not stated): TOPMed 0.00001; ESP Exome Variant Server 0.00008.
gnomAD v4.1: 18 of 1,613,982 alleles (0.0011%); highest among the groups gnomAD compares: Non-Finnish European, 0.0014%; no homozygotes.

Submissions (6):

Center for Genomic Medicine, Rigshospitalet, Copenhagen University Hospital
Classification: Uncertain significance. Last evaluated: 2025-12-29. Review status: criteria provided, single submitter. Criteria: ACMG Guidelines, 2015. Collection method: clinical testing. Allele origin: germline.

Labcorp Genetics (formerly Invitae), Labcorp
Classification: Uncertain significance for Gastrointestinal stromal tumor; Pheochromocytoma/paraganglioma syndrome 4; Pheochromocytoma. Last evaluated: 2025-12-29. Review status: criteria provided, single submitter. Criteria: Invitae Variant Classification Sherloc (09022015). Collection method: clinical testing. Allele origin: germline.
Comment: This sequence change replaces serine, which is neutral and polar, with cysteine, which is neutral and slightly polar, at codon 239 of the SDHB protein (p.Ser239Cys). This variant is present in population databases (rs201098090, gnomAD 0.01%). This missense change has been observed in individual(s) with pheochromocytoma and with breast cancer (PMID: 22270996, 31780696). ClinVar contains an entry for this variant (Variation ID: 161385). Invitae Evidence Modeling of protein sequence and biophysical properties (such as structural, functional, and spatial information, amino acid conservation, physicochemical variation, residue mobility, and thermodynamic stability) indicates that this missense variant is expected to disrupt SDHB protein function with a positive predictive value of 80%. In summary, the available evidence is currently insufficient to determine the role of this variant in disease. Therefore, it has been classified as a Variant of Uncertain Significance.

GeneDx
Classification: Uncertain significance. Last evaluated: 2025-02-12. Review status: criteria provided, single submitter. Criteria: GeneDx Variant Classification Process June 2021. Collection method: clinical testing. Allele origin: germline. Affected: yes.
Comment: Not observed at significant frequency in large population cohorts (gnomAD); In silico analysis supports that this missense variant has a deleterious effect on protein structure/function; Observed in an individual with pheochromocytoma and another individual with breast cancer (PMID: 31780696, 22270996); This variant is associated with the following publications: (PMID: 25637381, 31780696, 22270996)

Ambry Genetics
Classification: Uncertain significance for Hereditary cancer-predisposing syndrome. Last evaluated: 2025-02-10. Review status: criteria provided, single submitter. Criteria: Ambry Variant Classification Scheme 2023. Collection method: clinical testing. Allele origin: germline.
Comment: The p.S239C variant (also known as c.716C>G), located in coding exon 7 of the SDHB gene, results from a C to G substitution at nucleotide position 716. The serine at codon 239 is replaced by cysteine, an amino acid with dissimilar properties. This amino acid position is highly conserved in available vertebrate species. In addition, this alteration is predicted to be deleterious by in silico analysis. Since supporting evidence is limited at this time, the clinical significance of this alteration remains unclear.

Baylor Genetics
Classification: Uncertain significance for Gastrointestinal stromal tumor. Last evaluated: 2023-07-23. Review status: criteria provided, single submitter. Criteria: ACMG Guidelines, 2015. Collection method: clinical testing. Allele origin: unknown.

CSER _CC_NCGL, University of Washington
Classification: Uncertain significance for Phaeochromocytoma. Last evaluated: 2014-06-01. Review status: no assertion criteria provided. Collection method: research. Allele origin: germline. Inheritance: Autosomal dominant inheritance. Study: ESP 6500 variant annotation. Not counted in ClinVar's aggregate classification.
Comment: Variants classified for the Actionable exomic incidental findings in 6503 participants: challenges of variant classification manuscript

Literature cited by the submitters: PubMed 31780696 (cited by 3 submitters); PubMed 22270996 (cited by 3 submitters); PubMed 25637381 (cited by Ambry Genetics).

NM_003000.3(SDHB):c.716C>G (p.Ser239Cys)

Gene: SDHB (succinate dehydrogenase complex iron sulfur subunit B; minus strand). Cytogenetic location: 1p36.13.
Variant type: single nucleotide variant.
Coding change: c.716C>G on transcript NM_003000.3 (MANE Select); coding-DNA position 716, C replaced by G.
Protein change: p.Ser239Cys; replaces serine 239 with cysteine.
Molecular consequence: missense variant.
Genome position (GRCh38, 1-based): chr1:17,022,657, G>C on the plus strand (C>G on the coding strand, the complement: SDHB is on the minus strand). VCF-style: chr1-17022657-G-C. GRCh37 (hg19) VCF-style: chr1-17349152-G-C.
Other names: short protein forms S239C.
Identifiers: ClinVar variation 161385 (VCV000161385.23), dbSNP rs201098090, ClinGen allele CA016128.